The following is an entry in ClinVar:

ClinVar aggregate classification (germline): Uncertain significance (1 of 4 stars; one submission).

Allele frequency attached by ClinVar (database versions not stated): ExAC 0.00003; gnomAD 0.00003; TOPMed 0.00005; ESP Exome Variant Server 0.00008; gnomAD exomes 0.00008.
gnomAD v4.1: 122 of 1,612,830 alleles (0.0076%); highest among the groups gnomAD compares: Non-Finnish European, 0.01%; no homozygotes.

Submissions (2):

Labcorp Genetics (formerly Invitae), Labcorp
Classification: Uncertain significance. Last evaluated: 2022-07-12. Review status: criteria provided, single submitter. Criteria: Invitae Variant Classification Sherloc (09022015). Collection method: clinical testing. Allele origin: germline.
Comment: This sequence change falls in intron 24 of the COL27A1 gene. It does not directly change the encoded amino acid sequence of the COL27A1 protein. It affects a nucleotide within the consensus splice site. This variant is present in population databases (rs370903413, gnomAD 0.008%). This variant has not been reported in the literature in individuals affected with COL27A1-related conditions. Variants that disrupt the consensus splice site are a relatively common cause of aberrant splicing (PMID: 17576681, 9536098). Algorithms developed to predict the effect of sequence changes on RNA splicing suggest that this variant may disrupt the consensus splice site. In summary, the available evidence is currently insufficient to determine the role of this variant in disease. Therefore, it has been classified as a Variant of Uncertain Significance.

Dr. Peter K. Rogan Lab, Western University
No classification provided (evidence only). Condition: Melanoma. Review status: no classification provided. Collection method: in vitro. Allele origin: not applicable. Functional consequence: retained intron. Not counted in ClinVar's aggregate classification.

Literature cited by the submitters: PubMed 17576681 (cited by Labcorp Genetics (formerly Invitae), Labcorp); PubMed 9536098 (cited by Labcorp Genetics (formerly Invitae), Labcorp).

NM_032888.4(COL27A1):c.2979+4A>G

Gene: COL27A1 (collagen type XXVII alpha 1 chain; plus strand). Cytogenetic location: 9q32.
Variant type: single nucleotide variant.
Coding change: c.2979+4A>G on transcript NM_032888.4 (MANE Select); 4 bases into the intron after coding-DNA position 2979, A replaced by G.
Molecular consequence: intron variant.
Genome position (GRCh38, 1-based): chr9:114,245,914, A>G. VCF-style: chr9-114245914-A-G. GRCh37 (hg19) VCF-style: chr9-117008194-A-G.
Identifiers: ClinVar variation 2155525 (VCV002155525.2), dbSNP rs370903413, ClinGen allele CA5202177.